The following is an entry in ClinVar:

NM_000059.4(BRCA2):c.3887A>G (p.Asn1296Ser)

Gene: BRCA2 (BRCA2 DNA repair associated; plus strand). Cytogenetic location: 13q13.1.
Variant type: single nucleotide variant.
Coding change: c.3887A>G on transcript NM_000059.4 (MANE Select); coding-DNA position 3887, A replaced by G.
Protein change: p.Asn1296Ser; replaces asparagine 1296 with serine.
Molecular consequence: missense variant.
Genome position (GRCh38, 1-based): chr13:32,338,242, A>G. VCF-style: chr13-32338242-A-G. GRCh37 (hg19) VCF-style: chr13-32912379-A-G.
Other names: c.3887A>G, p.Asn1296Ser (NM_001406719.1, NM_001406720.1); short protein forms N1296S.
Identifiers: ClinVar variation 1735845 (VCV001735845.9), dbSNP rs2548527130, ClinGen allele CA387778758.

ClinVar aggregate classification (germline): Conflicting classifications of pathogenicity. Review status: criteria provided, conflicting classifications (1 of 4 stars). 5 submissions from 5 submitters: Uncertain significance (4); Likely benign (1). Last evaluated 2023-11-16.

Conditions:
Breast-ovarian cancer, familial, susceptibility to, 2 (BROVCA2). Also called: BRCA2 Hereditary Breast and Ovarian Cancer. Identifiers: Orphanet 145, MedGen C2675520, MONDO:0012933, OMIM 612555. Disease mechanism: loss of function.
Hereditary cancer-predisposing syndrome. Also called: Neoplastic Syndromes, Hereditary; Tumor predisposition; Hereditary Cancer Syndrome; Hereditary neoplastic syndrome. Identifiers: Orphanet 140162, MedGen C0027672, MeSH D009386, MONDO:0015356.
Hereditary breast ovarian cancer syndrome. Also called: Hereditary breast and ovarian cancer syndrome; Breast and ovarian cancer; Hereditary breast and ovarian cancer; Hereditary breast and/or ovarian cancer syndrome; BRCA1- and BRCA2-Associated Hereditary Breast and Ovarian Cancer; Hereditary breast and ovarian cancer syndrome (HBOC). Identifiers: Orphanet 145, MedGen C0677776, MeSH D061325, MONDO:0003582. Disease mechanism: loss of function.

Submissions (5):

Labcorp Genetics (formerly Invitae), Labcorp
Classification: Uncertain significance for Hereditary breast ovarian cancer syndrome. Last evaluated: 2023-11-16. Review status: criteria provided, single submitter. Criteria: Invitae Variant Classification Sherloc (09022015). Collection method: clinical testing. Allele origin: germline.
Comment: This sequence change replaces asparagine, which is neutral and polar, with serine, which is neutral and polar, at codon 1296 of the BRCA2 protein (p.Asn1296Ser). This variant is not present in population databases (gnomAD no frequency). This variant has not been reported in the literature in individuals affected with BRCA2-related conditions. ClinVar contains an entry for this variant (Variation ID: 1735845). Advanced modeling of protein sequence and biophysical properties (such as structural, functional, and spatial information, amino acid conservation, physicochemical variation, residue mobility, and thermodynamic stability) performed at Invitae indicates that this missense variant is not expected to disrupt BRCA2 protein function with a negative predictive value of 95%. In summary, the available evidence is currently insufficient to determine the role of this variant in disease. Therefore, it has been classified as a Variant of Uncertain Significance.

Women's Health and Genetics/Laboratory Corporation of America, LabCorp
Classification: Uncertain significance. Last evaluated: 2023-10-09. Review status: criteria provided, single submitter. Criteria: LabCorp Variant Classification Summary - May 2015. Collection method: clinical testing. Allele origin: germline.
Comment: Variant summary: BRCA2 c.3887A>G (p.Asn1296Ser) results in a conservative amino acid change in the encoded protein sequence. Five of five in-silico tools predict a benign effect of the variant on protein function. The variant was absent in 192906 control chromosomes. The available data on variant occurrences in the general population are insufficient to allow any conclusion about variant significance. c.3887A>G has been reported in the literature in a relative from a family with Ovarian or Breast Cancer before 50 years old, without strong evidence for causality (example, Tung_2014). These report(s) do not provide unequivocal conclusions about association of the variant with Hereditary Breast And Ovarian Cancer Syndrome. To our knowledge, no experimental evidence demonstrating an impact on protein function has been reported. The following publication have been ascertained in the context of this evaluation (PMID: 25186627). Two submitters have cited clinical-significance assessments for this variant to ClinVar after 2014. One submitter classified the variant as benign/likely benign, and one submitter classified the variant as uncertain significance. Based on the evidence outlined above, the variant was classified as uncertain significance.

All of Us Research Program, National Institutes of Health
Classification: Uncertain significance for Breast-ovarian cancer, familial, susceptibility to, 2. Last evaluated: 2023-10-06. Review status: criteria provided, single submitter. Criteria: ACMG Guidelines, 2015. Collection method: clinical testing. Allele origin: germline. Inheritance: Autosomal dominant inheritance. Observed: 1 variant allele, 1 heterozygote.
Comment: This missense variant replaces asparagine with serine at codon 1296 of the BRCA2 protein. Computational prediction suggests that this variant may not impact protein structure and function (internally defined REVEL score threshold <= 0.5, PMID: 27666373). To our knowledge, functional studies have not been reported for this variant. This variant has been reported in an individual affected with breast cancer (PMID: 25186627). This variant has not been identified in the general population by the Genome Aggregation Database (gnomAD). The available evidence is insufficient to determine the role of this variant in disease conclusively. Therefore, this variant is classified as a Variant of Uncertain Significance.

This study involves interpretation of variants in research participants for the purpose of population health screening. Participant phenotype was not available at the time of variant classification. Additional details can be found in publication PMID: 35346344, PMCID: PMC8962531

University of Washington Department of Laboratory Medicine, University of Washington
Classification: Likely benign for Hereditary cancer-predisposing syndrome. Last evaluated: 2023-03-23. Review status: criteria provided, single submitter. Criteria: Dines et al. (Genet Med. 2020). Collection method: curation. Allele origin: germline.
Comment: Missense variant in a coldspot region where missense variants are very unlikely to be pathogenic (PMID:31911673).

BRCA2 exon 11 coldspot. Reclassification based on statistical prior probability.

Ambry Genetics
Classification: Uncertain significance for Hereditary cancer-predisposing syndrome. Last evaluated: 2022-03-27. Review status: criteria provided, single submitter. Criteria: Ambry Variant Classification Scheme 2023. Collection method: clinical testing. Allele origin: germline.
Comment: The p.N1296S variant (also known as c.3887A>G), located in coding exon 10 of the BRCA2 gene, results from an A to G substitution at nucleotide position 3887. The asparagine at codon 1296 is replaced by serine, an amino acid with highly similar properties. This amino acid position is not well conserved in available vertebrate species. In addition, this alteration is predicted to be tolerated by in silico analysis. Since supporting evidence is limited at this time, the clinical significance of this alteration remains unclear.

Literature cited by the submitters: PubMed 25186627 (cited by Women's Health and Genetics/Laboratory Corporation of America, LabCorp and All of Us Research Program, National Institutes of Health).